The following is an entry in ClinVar:

ClinVar aggregate classification (germline): Uncertain significance (1 of 4 stars; one submission).

Submission:

CeGaT Center for Human Genetics Tuebingen
Classification: Uncertain significance. Last evaluated: 2025-12-01. Review status: criteria provided, single submitter. Criteria: CeGaT Center For Human Genetics Tuebingen Variant Classification Criteria Version 2. Collection method: clinical testing. Allele origin: germline. Affected: yes. Observed: 1 variant allele.
Comment: FRMD5: PM4

NM_032892.5(FRMD5):c.*689ACAGCA[3]

Gene: FRMD5 (FERM domain containing 5; minus strand). Cytogenetic location: 15q15.3.
Variant type: Microsatellite.
Coding change: c.*689ACAGCA[3] on transcript NM_032892.5 (MANE Select); three copies in a row of the 6-base unit ACAGCA starting at c.*689; the reference has two copies in a row; one copy, 6 bases duplicated.
Molecular consequence: 3 prime UTR variant. On other transcripts: non-coding transcript variant (1).
Genome position (GRCh38, 1-based): chr15:43,873,185-43,873,190, TGCTGT duplicated on the plus strand (ACAGCA on the coding strand, the reverse complement: FRMD5 is on the minus strand); duplicating any 6 consecutive bases within chr15:43,873,185-43,873,196 gives the same sequence; the position shown is the placement nearest the transcript's 3' end. VCF-style (leftmost placement, unchanged base first): chr15-43873184-C-CTGCTGT. GRCh37 (hg19) VCF-style: chr15-44165382-C-CTGCTGT.
Other names: c.*696ACAGCA[3] (NM_001286490.2, NM_001322950.2); c.*689ACAGCA[3] (NM_001286491.2); c.1506ACAGCA[3], p.Gln506_His507insGlnGln (NM_001322949.2, NM_001411124.1); c.1401ACAGCA[3], p.Gln471_His472insGlnGln (NM_001322951.2).
Identifiers: ClinVar variation 4681856 (VCV004681856.5).